The following is an entry in ClinVar:

NM_030662.4(MAP2K2):c.1195G>C (p.Ala399Pro)

Gene: MAP2K2 (mitogen-activated protein kinase kinase 2; minus strand). Cytogenetic location: 19p13.3.
Variant type: single nucleotide variant.
Coding change: c.1195G>C on transcript NM_030662.4 (MANE Select); coding-DNA position 1195, G replaced by C.
Protein change: p.Ala399Pro; replaces alanine 399 with proline.
Molecular consequence: missense variant.
Genome position (GRCh38, 1-based): chr19:4,090,606, C>G on the plus strand (G>C on the coding strand, the complement: MAP2K2 is on the minus strand). VCF-style: chr19-4090606-C-G. GRCh37 (hg19) VCF-style: chr19-4090604-C-G.
Other names: c.916G>C, p.Ala306Pro (NM_001440688.1); c.625G>C, p.Ala209Pro (NM_001440689.1); short protein forms A209P, A306P, A399P.
Identifiers: ClinVar variation 4802519 (VCV004802519.1).

ClinVar aggregate classification (germline): Uncertain significance (1 of 4 stars; one submission).

Conditions:
RASopathy. Also called: rasopathies; Noonan spectrum disorder. Identifiers: Orphanet 536391, MedGen C5555857, MONDO:0021060.

Submission:

Labcorp Genetics (formerly Invitae), Labcorp
Classification: Uncertain significance for RASopathy. Last evaluated: 2026-01-14. Review status: criteria provided, single submitter. Criteria: Invitae Variant Classification Sherloc (09022015). Collection method: clinical testing. Allele origin: germline.
Comment: This sequence change replaces alanine, which is neutral and non-polar, with proline, which is neutral and non-polar, at codon 399 of the MAP2K2 protein (p.Ala399Pro). This variant is not present in population databases (gnomAD no frequency). This variant has not been reported in the literature in individuals affected with MAP2K2-related conditions. Invitae Evidence Modeling of protein sequence and biophysical properties (such as structural, functional, and spatial information, amino acid conservation, physicochemical variation, residue mobility, and thermodynamic stability) indicates that this missense variant is not expected to disrupt MAP2K2 protein function with a negative predictive value of 95%. In summary, the available evidence is currently insufficient to determine the role of this variant in disease. Therefore, it has been classified as a Variant of Uncertain Significance.